The following is an entry in ClinVar:

ClinVar aggregate classification (germline): Benign/Likely benign. Review status: criteria provided, multiple submitters, no conflicts (2 of 4 stars). 3 submissions from 3 submitters: Benign (1); Likely benign (2). Last evaluated 2024-10-11.

Conditions:
Hereditary diffuse gastric adenocarcinoma (HDGC). Also called: DIFFUSE GASTRIC AND LOBULAR BREAST CANCER SYNDROME. Identifiers: Orphanet 26106, MedGen C1708349, MONDO:0007648, OMIM 137215.
Hereditary cancer-predisposing syndrome. Also called: Hereditary neoplastic syndrome; Hereditary Cancer Syndrome; Tumor predisposition; Neoplastic Syndromes, Hereditary. Identifiers: Orphanet 140162, MedGen C0027672, MeSH D009386, MONDO:0015356.

gnomAD v4.1: 3 of 1,614,200 alleles (0.00019%); highest among the groups gnomAD compares: South Asian, 0.0011%; no homozygotes.

Submissions (3):

Myriad Genetics, Inc.
Classification: Benign for Hereditary diffuse gastric adenocarcinoma. Last evaluated: 2024-10-11. Review status: criteria provided, single submitter. Criteria: Myriad Autosomal Dominant, Autosomal Recessive and X-Linked Classification Criteria (2023). Collection method: clinical testing. Allele origin: unknown.
Comment: This variant is considered benign. This variant is a silent/synonymous amino acid change and it is not expected to impact splicing.

Labcorp Genetics (formerly Invitae), Labcorp
Classification: Likely benign. Last evaluated: 2024-04-30. Review status: criteria provided, single submitter. Criteria: Invitae Variant Classification Sherloc (09022015). Collection method: clinical testing. Allele origin: germline.

Ambry Genetics
Classification: Likely benign for Hereditary cancer-predisposing syndrome. Last evaluated: 2022-01-19. Review status: criteria provided, single submitter. Criteria: Ambry Variant Classification Scheme 2023. Collection method: clinical testing. Allele origin: germline.

NM_001903.5(CTNNA1):c.1485C>G (p.Val495=)

Gene: CTNNA1 (catenin alpha 1; plus strand). Cytogenetic location: 5q31.2.
Variant type: single nucleotide variant.
Coding change: c.1485C>G on transcript NM_001903.5 (MANE Select); coding-DNA position 1485, C replaced by G.
Protein change: p.Val495=; no amino-acid change (valine 495 retained).
Molecular consequence: synonymous variant.
Genome position (GRCh38, 1-based): chr5:138,917,837, C>G. VCF-style: chr5-138917837-C-G. GRCh37 (hg19) VCF-style: chr5-138253526-C-G.
Other names: c.1485C>G, p.Val495= (NM_001290307.3, NM_001323982.2, NM_001323983.1 and 2 more transcripts); c.1176C>G, p.Val392= (NM_001290309.3); c.1116C>G, p.Val372= (NM_001290310.3); c.375C>G, p.Val125= (NM_001290312.1, NM_001323987.1, NM_001323988.1 and 17 more transcripts); c.1392C>G, p.Val464= (NM_001323986.2); c.36C>G, p.Val12= (NM_001324006.1, NM_001324007.1, NM_001324008.1 and 2 more transcripts); c.282C>G, p.Val94= (NM_001324011.1); c.132C>G, p.Val44= (NM_001324012.1, NM_001324013.1).
Identifiers: ClinVar variation 1664789 (VCV001664789.11), dbSNP rs1232689446, ClinGen allele CA446596197.
Genomic context (GRCh38, chr5:138,917,837, plus strand): 5'-ACAGAGTAAACTGGCCCAAGAGAACATGGATCTTTTTAAAGAACAATGGGAAAAACAAGT[C>G]CGTGTTCTCACAGATGCTGTCGATGACATTACTTCCATTGATGACTTCTTGGCTGTCTCA-3'
Protein context (NP_001894.2, residues 485-505): DLFKEQWEKQ[Val495=]RVLTDAVDDI